The following is an entry in ClinVar:

ClinVar aggregate classification (germline): Likely benign (1 of 4 stars; one submission).

Allele frequency attached by ClinVar (database versions not stated): 1000 Genomes Project 30x 0.00203; 1000 Genomes Project 0.00240; TOPMed 0.00284; ESP Exome Variant Server 0.00316; gnomAD 0.00361; ExAC 0.00505; gnomAD exomes 0.00514.
gnomAD v4.1: 7,996 of 1,610,566 alleles (0.5%); highest among the groups gnomAD compares: Non-Finnish European, 0.55%; 28 homozygotes.

Submission:

CeGaT Center for Human Genetics Tuebingen
Classification: Likely benign. Last evaluated: 2023-01-01. Review status: criteria provided, single submitter. Criteria: CeGaT Center For Human Genetics Tuebingen Variant Classification Criteria Version 2. Collection method: clinical testing. Allele origin: germline. Affected: yes. Observed: 1 variant allele.
Comment: OR8D1: BP4, BS2

NM_001002917.2(OR8D1):c.20C>A (p.Ser7Tyr)

Gene: OR8D1 (olfactory receptor family 8 subfamily D member 1; minus strand). Cytogenetic location: 11q24.2.
Variant type: single nucleotide variant.
Coding change: c.20C>A on transcript NM_001002917.2 (MANE Select); coding-DNA position 20, C replaced by A.
Protein change: p.Ser7Tyr; replaces serine 7 with tyrosine.
Molecular consequence: missense variant.
Genome position (GRCh38, 1-based): chr11:124,310,747, G>T on the plus strand (C>A on the coding strand, the complement: OR8D1 is on the minus strand). VCF-style: chr11-124310747-G-T. GRCh37 (hg19) VCF-style: chr11-124180643-G-T.
Other names: short protein forms S7Y.
Identifiers: ClinVar variation 2642493 (VCV002642493.24), dbSNP rs138336307, ClinGen allele CA6339066.
Genomic context (GRCh38, chr11:124,310,747, plus strand): 5'-AGGGGCAGCTGGAGCTCTGCTTGCTGTGTTAAACCATCTAAGACAAACTGAGCTGCCATA[G>T]AATAATTTTCCATGGTCATTCTTCTTTAGGCATTTCTGTGAAAATAGAAAGTATGAATTA-3'
Protein context (NP_001002917.1, residues 1-17): MTMENY[Ser7Tyr]MAAQFVLDGL